The following is an entry in ClinVar:

NM_000051.4(ATM):c.2630G>C (p.Ser877Thr)

Gene: ATM (ATM serine/threonine kinase; plus strand). Cytogenetic location: 11q22.3.
Variant type: single nucleotide variant.
Coding change: c.2630G>C on transcript NM_000051.4 (MANE Select); coding-DNA position 2630, G replaced by C.
Protein change: p.Ser877Thr; replaces serine 877 with threonine.
Molecular consequence: missense variant.
Genome position (GRCh38, 1-based): chr11:108,267,334, G>C. VCF-style: chr11-108267334-G-C. GRCh37 (hg19) VCF-style: chr11-108138061-G-C.
Other names: p.S877T:AGT>ACT; c.2630G>C, p.Ser877Thr (NM_001351834.2); short protein forms S877T.
Identifiers: ClinVar variation 127356 (VCV000127356.31), dbSNP rs370269552, ClinGen allele CA286772.

ClinVar aggregate classification (germline): Conflicting classifications of pathogenicity. Review status: criteria provided, conflicting classifications (1 of 4 stars). 13 submissions from 13 submitters: Uncertain significance (4); Benign (1); Likely benign (4). 4 of the submissions do not count toward it. Last evaluated 2026-06-21.

Conditions:
ATM-related disorder. Also called: ATM-related disorders; ATM-related condition.
Hereditary cancer-predisposing syndrome. Also called: Neoplastic Syndromes, Hereditary; Tumor predisposition; Hereditary Cancer Syndrome; Hereditary neoplastic syndrome. Identifiers: Orphanet 140162, MedGen C0027672, MeSH D009386, MONDO:0015356.
Familial cancer of breast. Also called: hereditary breast carcinoma; Hereditary breast cancer; BREAST CANCER, FAMILIAL. Identifiers: Orphanet 227535, MedGen C0346153, MONDO:0016419, OMIM 114480. Disease mechanism: loss of function.
Ataxia-telangiectasia syndrome (AT). Also called: LOUIS-BAR SYNDROME; Cerebello-oculocutaneous telangiectasia; Immunodeficiency with ataxia telangiectasia; Ataxia-telangiectasia, complementation group D; Ataxia-telangiectasia, complementation group E; Ataxia telangiectasia (A-T). Identifiers: Orphanet 100, MedGen C0004135, MONDO:0008840, OMIM 208900.

Allele frequency attached by ClinVar (database versions not stated): gnomAD 0.00001 and 0.00003; gnomAD exomes 0.00001 and 0.00004; TOPMed 0.00002; ExAC 0.00005.
gnomAD v4.1: 39 of 1,613,728 alleles (0.0024%); highest among the groups gnomAD compares: South Asian, 0.018%; 1 homozygote.

Submissions (13):

PreventionGenetics, part of Exact Sciences
Classification: Likely benign for ATM-related condition. Last evaluated: 2026-06-21. Review status: criteria provided, single submitter. Criteria: ACMG Guidelines, 2015. Collection method: clinical testing. Allele origin: germline.
Comment: This variant is classified as likely benign based on ACMG/AMP sequence variant interpretation guidelines (Richards et al. 2015 PMID: 25741868, with internal and published modifications).

Labcorp Genetics (formerly Invitae), Labcorp
Classification: Benign for Ataxia-telangiectasia syndrome. Last evaluated: 2026-02-02. Review status: criteria provided, single submitter. Criteria: Invitae Variant Classification Sherloc (09022015). Collection method: clinical testing. Allele origin: germline.

Women's Health and Genetics/Laboratory Corporation of America, LabCorp
Classification: Uncertain significance. Last evaluated: 2025-11-13. Review status: criteria provided, single submitter. Criteria: LabCorp Variant Classification Summary - May 2015. Collection method: clinical testing. Allele origin: germline.
Comment: Variant summary: ATM c.2630G>C (p.Ser877Thr) results in a conservative amino acid change in the encoded protein sequence. Algorithms developed to predict the effect of missense changes on protein structure and function all suggest that this variant is likely to be tolerated. The variant allele was found at a frequency of 3.6e-05 in 251400 control chromosomes in the gnomAD database, including 1 homozygotes. The available data on variant occurrences in the general population are insufficient to allow any conclusion about variant significance. c.2630G>C has been observed in individuals affected with Breast Cancer and lung cancer as well as in controls (Bernstein_2010, Chan_2018, Lu_2015, Parry_2017, Tavtigian_2009). These reports do not provide unequivocal conclusions about association of the variant with Breast Cancer. To our knowledge, no experimental evidence demonstrating an impact on protein function has been reported. The following publications have been ascertained in the context of this evaluation (PMID: 20305132, 30093976, 26689913, 28843361, 19781682). ClinVar contains an entry for this variant (Variation ID: 127356). Based on the evidence outlined above, the variant was classified as uncertain significance.

Center for Genomic Medicine, Rigshospitalet, Copenhagen University Hospital
Classification: Uncertain significance. Last evaluated: 2025-03-04. Review status: criteria provided, single submitter. Criteria: ACMG Guidelines, 2015. Collection method: clinical testing. Allele origin: germline.
Comment: Classification criteria: BP4

Quest Diagnostics Nichols Institute San Juan Capistrano
Classification: Uncertain significance. Last evaluated: 2025-02-11. Review status: criteria provided, single submitter. Criteria: Quest Diagnostics criteria. Collection method: clinical testing. Allele origin: unknown.

Color Diagnostics, LLC DBA Color Health
Classification: Likely benign for Hereditary cancer-predisposing syndrome. Last evaluated: 2024-09-19. Review status: criteria provided, single submitter. Criteria: ACMG Guidelines, 2015. Collection method: clinical testing. Allele origin: germline.

MGZ Medical Genetics Center
Classification: Uncertain significance for Familial cancer of breast. Last evaluated: 2021-10-25. Review status: criteria provided, single submitter. Criteria: ACMG Guidelines, 2015. Collection method: clinical testing. Allele origin: germline. Affected: yes. Observed: 1 variant allele.
Comment: ACMG criteria applied: PM2_SUP, BP4

GeneDx
Classification: Likely benign. Last evaluated: 2019-03-08. Review status: criteria provided, single submitter. Criteria: GeneDx Variant Classification Process June 2021. Collection method: clinical testing. Allele origin: germline. Affected: yes.
Comment: This variant is associated with the following publications: (PMID: 19781682, 26689913, 30093976)

Ambry Genetics
Classification: Likely benign for Hereditary cancer-predisposing syndrome. Last evaluated: 2018-03-30. Review status: criteria provided, single submitter. Criteria: Ambry Variant Classification Scheme 2023. Collection method: clinical testing. Allele origin: germline.

Department of Pathology and Laboratory Medicine, Sinai Health System
Classification: Uncertain significance. Review status: no assertion criteria provided. Collection method: clinical testing. Allele origin: unknown. Affected: yes. Study: The Canadian Open Genetics Repository (COGR). Not counted in ClinVar's aggregate classification.
Comment: The ATM p.Ser877Thr variant was identified in 3 of 5062 proband chromosomes (frequency: 0.0006) from individuals or families with breast cancer and was present in 3 of 4490 control chromosomes (frequency: 0.0007) from healthy individuals (Tavtigian 2009). The variant was also identified in the following databases: dbSNP (ID: rs370269552) as "With Uncertain significance allele", ClinVar (1x likely benign, 2x uncertain significance), and Clinvitae. The variant was not identified in COGR, Cosmic, MutDB, LOVD 3.0, or the ATM-LOVD database. The variant was identified in control databases in 9 of 246196 chromosomes (1 homozygous) at a frequency of 0.00004 (Genome Aggregation Database Feb 27, 2017). It was observed in the following populations: Other in 1 of 5484 chromosomes (freq: 0.0002), European in 1 of 111666 chromosomes (freq: 0.000009), East Asian in 4 of 17238 chromosomes (freq: 0.0002), and South Asian in 3 of 30780 chromosomes (freq: 0.0001). The variant was not observed in the African, Latino, Ashkenazi Jewish, or Finnish populations. The p.Ser877 residue is not conserved in mammals and computational analyses (PolyPhen-2, SIFT, AlignGVGD, BLOSUM, MutationTaster) do not suggest a high likelihood of impact to the protein; however, this information is not predictive enough to rule out pathogenicity. The variant occurs outside of the splicing consensus sequence and 1 of 5 in silico or computational prediction software programs (SpliceSiteFinder, MaxEntScan, NNSPLICE, GeneSplicer, HumanSpliceFinder) predict a greater than 10% difference in splicing; this is not very predictive of pathogenicity. In summary, based on the above information the clinical significance of this variant cannot be determined with certainty at this time. This variant is classified as a variant of uncertain significance.

Genome Diagnostics Laboratory, Amsterdam University Medical Center
Classification: Likely benign. Review status: no assertion criteria provided. Collection method: clinical testing. Allele origin: germline. Affected: yes. Study: VKGL Data-share Consensus. Not counted in ClinVar's aggregate classification.

Joint Genome Diagnostic Labs from Nijmegen and Maastricht, Radboudumc and MUMC+
Classification: Likely benign. Review status: no assertion criteria provided. Collection method: clinical testing. Allele origin: germline. Affected: yes. Study: VKGL Data-share Consensus. Not counted in ClinVar's aggregate classification.

Laboratory of Diagnostic Genome Analysis, Leiden University Medical Center (LUMC)
Classification: Likely benign. Review status: no assertion criteria provided. Collection method: clinical testing. Allele origin: germline. Affected: yes. Study: VKGL Data-share Consensus. Not counted in ClinVar's aggregate classification.

Literature cited by the submitters: PubMed 19781682 (cited by Women's Health and Genetics/Laboratory Corporation of America, LabCorp); PubMed 20305132 (cited by Women's Health and Genetics/Laboratory Corporation of America, LabCorp); PubMed 26689913 (cited by Women's Health and Genetics/Laboratory Corporation of America, LabCorp); PubMed 30093976 (cited by Women's Health and Genetics/Laboratory Corporation of America, LabCorp); PubMed 28843361 (cited by Women's Health and Genetics/Laboratory Corporation of America, LabCorp).